The following is an entry in ClinVar:

NM_153676.4(USH1C):c.830T>G (p.Val277Gly)

Gene: USH1C (USH1 protein network component harmonin; minus strand). Cytogenetic location: 11p15.1.
Variant type: single nucleotide variant.
Coding change: c.830T>G on transcript NM_153676.4 (MANE Select); coding-DNA position 830, T replaced by G.
Protein change: p.Val277Gly; replaces valine 277 with glycine.
Molecular consequence: missense variant. On other transcripts: non-coding transcript variant (1), intron variant (1).
Genome position (GRCh38, 1-based): chr11:17,523,257, A>C on the plus strand (T>G on the coding strand, the complement: USH1C is on the minus strand). VCF-style: chr11-17523257-A-C. GRCh37 (hg19) VCF-style: chr11-17544804-A-C.
Other names: c.830T>G, p.Val277Gly (NM_005709.4); c.819+162T>G (NM_001297764.2); short protein forms V277G.
Identifiers: ClinVar variation 2499200 (VCV002499200.2), dbSNP rs1197563731, ClinGen allele CA379789177.

ClinVar aggregate classification (germline): Uncertain significance. Review status: criteria provided, multiple submitters, no conflicts (2 of 4 stars). 2 submissions from 2 submitters: Uncertain significance (2). Last evaluated 2025-07-12.

Conditions:
Inborn genetic diseases. Identifiers: MedGen C0950123, MeSH D030342.

Allele frequency attached by ClinVar (database versions not stated): TOPMed 0.00001.
gnomAD v4.1: 24 of 1,614,174 alleles (0.0015%); highest among the groups gnomAD compares: Non-Finnish European, 0.0019%; no homozygotes.

Submissions (2):

Ambry Genetics
Classification: Uncertain significance for Inborn genetic diseases. Last evaluated: 2025-07-12. Review status: criteria provided, single submitter. Criteria: Ambry Variant Classification Scheme 2023. Collection method: clinical testing. Allele origin: germline.

GeneDx
Classification: Uncertain significance. Last evaluated: 2022-10-13. Review status: criteria provided, single submitter. Criteria: GeneDx Variant Classification Process June 2021. Collection method: clinical testing. Allele origin: germline. Affected: yes.
Comment: Not observed at significant frequency in large population cohorts (gnomAD); In silico analysis supports that this missense variant has a deleterious effect on protein structure/function; Has not been previously published as pathogenic or benign to our knowledge